The following is an entry in ClinVar:

ClinVar aggregate classification (germline): Likely pathogenic (1 of 4 stars; one submission).

Conditions:
Okur-Chung neurodevelopmental syndrome (OCNDS). Identifiers: Orphanet 689422, MedGen C4310739, MONDO:0014893, OMIM 617062.

Submission:

3billion
Classification: Likely pathogenic for Okur-Chung neurodevelopmental syndrome. Last evaluated: 2023-06-01. Review status: criteria provided, single submitter. Criteria: ACMG Guidelines, 2015. Collection method: clinical testing. Allele origin: germline. Affected: yes.
Comment: The variant is not observed in the gnomAD v2.1.1 dataset. Predicted Consequence/Location: Stop-gained (nonsense): predicted to result in a loss or disruption of normal protein function through nonsense-mediated decay (NMD) or protein truncation. Multiple pathogenic variants are reported downstream of the variant. Therefore, this variant is classified as Likely pathogenic according to the recommendation of ACMG/AMP guideline.

NM_177559.3(CSNK2A1):c.868C>T (p.Gln290Ter)

Gene: CSNK2A1 (casein kinase 2 alpha 1; minus strand). Cytogenetic location: 20p13.
Variant type: single nucleotide variant.
Coding change: c.868C>T on transcript NM_177559.3 (MANE Select); coding-DNA position 868, C replaced by T.
Protein change: p.Gln290Ter; replaces glutamine 290 with a stop codon.
Molecular consequence: nonsense.
Genome position (GRCh38, 1-based): chr20:487,532, G>A on the plus strand (C>T on the coding strand, the complement: CSNK2A1 is on the minus strand). VCF-style: chr20-487532-G-A. GRCh37 (hg19) VCF-style: chr20-468176-G-A.
Other names: c.868C>T, p.Gln290Ter (NM_001362770.2, NM_001362771.2, NM_001895.4); c.460C>T, p.Gln154Ter (NM_177560.3); short protein forms Q154*, Q290*.
Identifiers: ClinVar variation 3775627 (VCV003775627.1).